The following is an entry in ClinVar:

ClinVar aggregate classification (germline): Likely pathogenic (1 of 4 stars; one submission).

Conditions:
Focal segmental glomerulosclerosis 1 (FSGS1). Identifiers: Orphanet 656, MedGen C4551527, MONDO:0011303, OMIM 603278.

Submission:

Baylor Genetics
Classification: Likely pathogenic for Focal segmental glomerulosclerosis 1. Last evaluated: 2020-09-20. Review status: criteria provided, single submitter. Criteria: ACMG Guidelines, 2015. Collection method: clinical testing. Allele origin: unknown. Affected: yes.
Comment: This variant was determined to be likely pathogenic according to ACMG Guidelines, 2015 [PMID:25741868].

NM_004924.6(ACTN4):c.175T>C (p.Trp59Arg)

Gene: ACTN4 (actinin alpha 4; plus strand). Cytogenetic location: 19q13.2.
Variant type: single nucleotide variant.
Coding change: c.175T>C on transcript NM_004924.6 (MANE Select); coding-DNA position 175, T replaced by C.
Protein change: p.Trp59Arg; replaces tryptophan 59 with arginine.
Molecular consequence: missense variant.
Genome position (GRCh38, 1-based): chr19:38,700,612, T>C. VCF-style: chr19-38700612-T-C. GRCh37 (hg19) VCF-style: chr19-39191252-T-C.
Other names: c.175T>C, p.Trp59Arg (NM_001322033.2); short protein forms W59R.
Identifiers: ClinVar variation 1028308 (VCV001028308.1), dbSNP rs1968240092, ClinGen allele CA405684925.